The following is an entry in ClinVar:

NM_000390.4(CHM):c.146dup (p.Ser49fs)

Gene: CHM (CHM Rab escort protein; minus strand). Cytogenetic location: Xq21.2.
Variant type: Duplication.
Coding change: c.146dup on transcript NM_000390.4 (MANE Select); coding-DNA position 146, one base duplicated (G; older notation c.146dupG).
Protein change: p.Ser49fs; shifts the reading frame from serine 49.
Molecular consequence: frameshift variant. On other transcripts: 5 prime UTR variant (4).
Genome position (GRCh38, 1-based): chrX:85,981,780, C duplicated on the plus strand (G on the coding strand, the reverse complement: CHM is on the minus strand). VCF-style (leftmost placement, unchanged base first): chrX-85981779-A-AC. GRCh37 (hg19) VCF-style: chrX-85236783-A-AC.
Other names: c.146dup, p.Ser49fs (NM_001145414.4); c.-299dup (NM_001320959.1, NM_001362517.1); c.-295dup (NM_001362518.2, NM_001362519.1); short protein forms S49fs.
Identifiers: ClinVar variation 5011877 (VCV005011877.1).

ClinVar aggregate classification (germline): Pathogenic (1 of 4 stars; one submission).

Conditions:
Choroideremia. Also called: Chorioretinal scalloped atrophy. Identifiers: Orphanet 180, MedGen C0008525, MONDO:0010557, OMIM 303100, HP:0001139.

Submission:

Myriad Genetics, Inc.
Classification: Pathogenic for Choroideremia. Last evaluated: 2023-09-27. Review status: criteria provided, single submitter. Criteria: Myriad Autosomal Dominant, Autosomal Recessive and X-Linked Classification Criteria (2023). Collection method: clinical testing. Allele origin: unknown.
Comment: NM_000390.2(CHM):c.146dupG(S49Rfs*3) is expected to be pathogenic in the context of X-linked choroideremia. This variant is predicted to lead to an abnormal or absent protein product due to the creation of a premature termination codon in CHM, a gene where loss-of-function variants are known to be pathogenic. Please note: this variant was assessed in the context of healthy population screening.